The following is an entry in ClinVar:

ClinVar aggregate classification (germline): Uncertain significance (1 of 4 stars; one submission).

gnomAD v4.1: 2 of 1,614,208 alleles (0.00012%); highest among the groups gnomAD compares: African/African-American, 0.0013%; no homozygotes.

Submission:

GeneDx
Classification: Uncertain significance. Last evaluated: 2019-10-13. Review status: criteria provided, single submitter. Criteria: GeneDx Variant Classification Process June 2021. Collection method: clinical testing. Allele origin: germline. Affected: yes.
Comment: Not observed in large population cohorts (Lek et al., 2016); In silico analysis, which includes protein predictors and evolutionary conservation, supports that this variant does not alter protein structure/function; Has not been previously published as pathogenic or benign to our knowledge

NM_006096.4(NDRG1):c.904G>T (p.Ala302Ser)

Gene: NDRG1 (N-myc downstream regulated 1; minus strand). Cytogenetic location: 8q24.22.
Variant type: single nucleotide variant.
Coding change: c.904G>T on transcript NM_006096.4 (MANE Select); coding-DNA position 904, G replaced by T.
Protein change: p.Ala302Ser; replaces alanine 302 with serine.
Molecular consequence: missense variant.
Genome position (GRCh38, 1-based): chr8:133,242,062, C>A on the plus strand (G>T on the coding strand, the complement: NDRG1 is on the minus strand). VCF-style: chr8-133242062-C-A. GRCh37 (hg19) VCF-style: chr8-134254305-C-A.
Other names: c.904G>T, p.Ala302Ser (NM_001135242.2, NM_001374845.1, NM_001374846.1); c.706G>T, p.Ala236Ser (NM_001258432.2, NM_001374847.1); c.661G>T, p.Ala221Ser (NM_001258433.2); c.955G>T, p.Ala319Ser (NM_001374844.1); short protein forms A221S, A236S, A302S, A319S.
Identifiers: ClinVar variation 1308923 (VCV001308923.2), dbSNP rs373637595, ClinGen allele CA372254776.
Genomic context (GRCh38, chr8:133,242,062, plus strand): 5'-CACGGGGAATGCCATACTCACTGTATCCCATGCCCTGCACGAAGTACTTGAAGGCCTCAG[C>A]GAGCTTGGCCGGCTGCGAGAGACAAGGAGAGAAAATGCAGTCAGTTGCTGGGGAGCCAGA-3'
Protein context (NP_006087.2, residues 292-312): LPQISQPAKL[Ala302Ser]EAFKYFVQGM